The following is an entry in ClinVar:

NM_001013838.3(CARMIL2):c.3005G>A (p.Gly1002Asp)

Gene: CARMIL2 (capping protein regulator and myosin 1 linker 2; plus strand). Cytogenetic location: 16q22.1.
Variant type: single nucleotide variant.
Coding change: c.3005G>A on transcript NM_001013838.3 (MANE Select); coding-DNA position 3005, G replaced by A.
Protein change: p.Gly1002Asp; replaces glycine 1002 with aspartic acid.
Molecular consequence: missense variant.
Genome position (GRCh38, 1-based): chr16:67,653,139, G>A. VCF-style: chr16-67653139-G-A. GRCh37 (hg19) VCF-style: chr16-67687042-G-A.
Other names: c.2897G>A, p.Gly966Asp (NM_001317026.3); short protein forms G1002D, G966D.
Identifiers: ClinVar variation 1376355 (VCV001376355.8), dbSNP rs2142941298, ClinGen allele CA396343023.
Genomic context (GRCh38, chr16:67,653,139, plus strand): 5'-CGCAGGCGGGGCCGTCCGCGCGCGGCTCTCCGAGCCCTGCCGCCCCTGGGCCCCCGGCCG[G>A]CCCGCTGCCCCGCATGGACCTGCCACTGGCGGGGCAGCCCCTGCGCCATCCGACCCGGGC-3'
Protein context (NP_001013860.1, residues 992-1012): PSPAAPGPPA[Gly1002Asp]PLPRMDLPLA

ClinVar aggregate classification (germline): Uncertain significance (1 of 4 stars; one submission).

gnomAD v4.1: 1 of 1,113,340 alleles (0.00009%); highest among the groups gnomAD compares: Non-Finnish European, 0.00011%; no homozygotes.

Submission:

Labcorp Genetics (formerly Invitae), Labcorp
Classification: Uncertain significance. Last evaluated: 2021-03-01. Review status: criteria provided, single submitter. Criteria: Invitae Variant Classification Sherloc (09022015). Collection method: clinical testing. Allele origin: germline.
Comment: In summary, the available evidence is currently insufficient to determine the role of this variant in disease. Therefore, it has been classified as a Variant of Uncertain Significance. Algorithms developed to predict the effect of missense changes on protein structure and function (SIFT, PolyPhen-2, Align-GVGD) all suggest that this variant is likely to be tolerated, but these predictions have not been confirmed by published functional studies and their clinical significance is uncertain. This variant has not been reported in the literature in individuals with CARMIL2-related conditions. The frequency data for this variant in the population databases is considered unreliable, as metrics indicate insufficient coverage at this position in the ExAC database. This sequence change replaces glycine with aspartic acid at codon 1002 of the CARMIL2 protein (p.Gly1002Asp). The glycine residue is weakly conserved and there is a moderate physicochemical difference between glycine and aspartic acid.